The following is an entry in ClinVar:

NM_015330.6(SPECC1L):c.1824C>G (p.Leu608=)

Genes: SPECC1L (sperm antigen with calponin homology and coiled-coil domains 1 like; plus strand), SPECC1L-ADORA2A (SPECC1L-ADORA2A readthrough (NMD candidate); plus strand). Cytogenetic location: 22q11.23.
Variant type: single nucleotide variant.
Coding change: c.1824C>G on transcript NM_015330.6 (MANE Select); coding-DNA position 1824, C replaced by G.
Protein change: p.Leu608=; no amino-acid change (leucine 608 retained).
Molecular consequence: synonymous variant. On other transcripts: non-coding transcript variant (1).
Genome position (GRCh38, 1-based): chr22:24,322,804, C>G. VCF-style: chr22-24322804-C-G. GRCh37 (hg19) VCF-style: chr22-24718772-C-G.
Other names: c.1824C>G, p.Leu608= (NM_001145468.4, NM_001254732.3).
Identifiers: ClinVar variation 4984449 (VCV004984449.1).

ClinVar aggregate classification (germline): Likely benign (1 of 4 stars; one submission).

Conditions:
SPECC1L-related disorder. Also called: SPECC1L-related condition.

gnomAD v4.1: 2 of 1,602,392 alleles (0.00012%); highest among the groups gnomAD compares: Non-Finnish European, 0.000085%; no homozygotes.

Submission:

PreventionGenetics, part of Exact Sciences
Classification: Likely benign for SPECC1L-related condition. Last evaluated: 2025-12-10. Review status: criteria provided, single submitter. Criteria: ACMG Guidelines, 2015. Collection method: clinical testing. Allele origin: germline.
Comment: This variant is classified as likely benign based on ACMG/AMP sequence variant interpretation guidelines (Richards et al. 2015 PMID: 25741868, with internal and published modifications).